The following is an entry in ClinVar:

ClinVar aggregate classification (germline): Benign/Likely benign. Review status: criteria provided, multiple submitters, no conflicts (2 of 4 stars). 3 submissions from 3 submitters: Benign (1); Likely benign (1). 1 of the submissions does not count toward it. Last evaluated 2026-01-12.

Conditions:
ZMYND11-related disorder. Also called: ZMYND11-related condition.

Allele frequency attached by ClinVar (database versions not stated): 1000 Genomes Project 30x 0.00031; 1000 Genomes Project 0.00040; TOPMed 0.00050; gnomAD exomes 0.00096; ESP Exome Variant Server 0.00108; gnomAD 0.00184; ExAC 0.00210.
gnomAD v4.1: 1,705 of 1,613,964 alleles (0.11%); highest among the groups gnomAD compares: Admixed American, 0.037%; 10 homozygotes.

Submissions (3):

Labcorp Genetics (formerly Invitae), Labcorp
Classification: Benign. Last evaluated: 2026-01-12. Review status: criteria provided, single submitter. Criteria: Invitae Variant Classification Sherloc (09022015). Collection method: clinical testing. Allele origin: germline.

CeGaT Center for Human Genetics Tuebingen
Classification: Likely benign. Last evaluated: 2025-02-01. Review status: criteria provided, single submitter. Criteria: CeGaT Center For Human Genetics Tuebingen Variant Classification Criteria Version 2. Collection method: clinical testing. Allele origin: germline. Affected: yes. Observed: 4 variant alleles.
Comment: ZMYND11: BP4, BP7, BS1

PreventionGenetics, part of Exact Sciences
Classification: Likely benign for ZMYND11-related condition. Last evaluated: 2024-02-08. Review status: no assertion criteria provided. Collection method: clinical testing. Allele origin: germline. Not counted in ClinVar's aggregate classification.
Comment: This variant is classified as likely benign based on ACMG/AMP sequence variant interpretation guidelines (Richards et al. 2015 PMID: 25741868, with internal and published modifications).

NM_001370100.5(ZMYND11):c.198C>T (p.Val66=)

Gene: ZMYND11 (zinc finger MYND-type containing 11; plus strand). Cytogenetic location: 10p15.3.
Variant type: single nucleotide variant.
Coding change: c.198C>T on transcript NM_001370100.5 (MANE Select); coding-DNA position 198, C replaced by T.
Protein change: p.Val66=; no amino-acid change (valine 66 retained).
Molecular consequence: synonymous variant. On other transcripts: non-coding transcript variant (1), intron variant (1).
Genome position (GRCh38, 1-based): chr10:209,970, C>T. VCF-style: chr10-209970-C-T. GRCh37 (hg19) VCF-style: chr10-255910-C-T.
Other names: c.198C>T, p.Val66= (NM_001161482.1, NM_001202464.3, NM_001202465.3 and 25 more transcripts); c.147C>T, p.Val49= (NM_001330057.3, NM_001370112.2, NM_001370123.2); c.132C>T, p.Val44= (NM_001370116.2, NM_001370120.2); c.78C>T, p.Val26= (NM_001370118.2, NM_001370121.2); c.-33-26868C>T (NM_001370124.3); c.198C>T (NM_006624.5).
Identifiers: ClinVar variation 2073511 (VCV002073511.29), dbSNP rs144524515, ClinGen allele CA5378873.